The following is an entry in ClinVar:

ClinVar aggregate classification (germline): Uncertain significance. Review status: criteria provided, multiple submitters, no conflicts (2 of 4 stars). 2 submissions from 2 submitters: Uncertain significance (2). Last evaluated 2025-09-21.

Conditions:
Legius syndrome. Identifiers: Orphanet 137605, MedGen C1969623, MONDO:0012669, OMIM 611431. Disease mechanism: loss of function.
Cardiovascular phenotype. Identifiers: MedGen CN230736.

Allele frequency attached by ClinVar (database versions not stated): gnomAD exomes below 0.00001.
gnomAD v4.1: 3 of 1,614,002 alleles (0.00019%); highest among the groups gnomAD compares: Non-Finnish European, 0.00025%; no homozygotes.

Submissions (2):

Ambry Genetics
Classification: Uncertain significance for Cardiovascular phenotype. Last evaluated: 2025-09-21. Review status: criteria provided, single submitter. Criteria: Ambry Variant Classification Scheme 2023. Collection method: clinical testing. Allele origin: germline.
Comment: The p.S165G variant (also known as c.493A>G), located in coding exon 5 of the SPRED1 gene, results from an A to G substitution at nucleotide position 493. The serine at codon 165 is replaced by glycine, an amino acid with similar properties. This amino acid position is conserved. In addition, this alteration is predicted to be tolerated by in silico analysis. Based on the available evidence, the clinical significance of this variant remains unclear.

Labcorp Genetics (formerly Invitae), Labcorp
Classification: Uncertain significance for Legius syndrome. Last evaluated: 2021-11-05. Review status: criteria provided, single submitter. Criteria: Invitae Variant Classification Sherloc (09022015). Collection method: clinical testing. Allele origin: germline.
Comment: This sequence change replaces serine, which is neutral and polar, with glycine, which is neutral and non-polar, at codon 165 of the SPRED1 protein (p.Ser165Gly). This variant is present in population databases (no rsID available, gnomAD 0.0009%). This variant has not been reported in the literature in individuals affected with SPRED1-related conditions. Algorithms developed to predict the effect of missense changes on protein structure and function (SIFT, PolyPhen-2, Align-GVGD) all suggest that this variant is likely to be tolerated. Algorithms developed to predict the effect of sequence changes on RNA splicing suggest that this variant may create or strengthen a splice site. In summary, the available evidence is currently insufficient to determine the role of this variant in disease. Therefore, it has been classified as a Variant of Uncertain Significance.

NM_152594.3(SPRED1):c.493A>G (p.Ser165Gly)

Gene: SPRED1 (sprouty related EVH1 domain containing 1; plus strand). Cytogenetic location: 15q14.
Variant type: single nucleotide variant.
Coding change: c.493A>G on transcript NM_152594.3 (MANE Select); coding-DNA position 493, A replaced by G.
Protein change: p.Ser165Gly; replaces serine 165 with glycine.
Molecular consequence: missense variant.
Genome position (GRCh38, 1-based): chr15:38,339,806, A>G. VCF-style: chr15-38339806-A-G. GRCh37 (hg19) VCF-style: chr15-38632007-A-G.
Other names: c.493A>G (NM_152594.2); short protein forms S165G.
Identifiers: ClinVar variation 1362411 (VCV001362411.7), dbSNP rs1456920197, ClinGen allele CA391932553.